The following is an entry in ClinVar:

ClinVar aggregate classification (germline): Uncertain significance. Review status: criteria provided, multiple submitters, no conflicts (2 of 4 stars). 2 submissions from 2 submitters: Uncertain significance (2). Last evaluated 2023-12-29.

Conditions:
Tuberous sclerosis 1 (TSC1). Identifiers: Orphanet 805, MedGen C1854465, MONDO:0008612, OMIM 191100.
Hereditary cancer-predisposing syndrome. Also called: Neoplastic Syndromes, Hereditary; Hereditary neoplastic syndrome; Tumor predisposition; Hereditary Cancer Syndrome. Identifiers: Orphanet 140162, MedGen C0027672, MeSH D009386, MONDO:0015356.

Submissions (2):

Ambry Genetics
Classification: Uncertain significance for Hereditary cancer-predisposing syndrome. Last evaluated: 2023-12-29. Review status: criteria provided, single submitter. Criteria: Ambry Variant Classification Scheme 2023. Collection method: clinical testing. Allele origin: germline.
Comment: The p.V831I variant (also known as c.2491G>A), located in coding exon 17 of the TSC1 gene, results from a G to A substitution at nucleotide position 2491. The valine at codon 831 is replaced by isoleucine, an amino acid with highly similar properties. This amino acid position is conserved. In addition, this alteration is predicted to be tolerated by in silico analysis. Since supporting evidence is limited at this time, the clinical significance of this alteration remains unclear.

Labcorp Genetics (formerly Invitae), Labcorp
Classification: Uncertain significance for Tuberous sclerosis 1. Last evaluated: 2022-02-05. Review status: criteria provided, single submitter. Criteria: Invitae Variant Classification Sherloc (09022015). Collection method: clinical testing. Allele origin: germline.
Comment: This sequence change replaces valine, which is neutral and non-polar, with isoleucine, which is neutral and non-polar, at codon 831 of the TSC1 protein (p.Val831Ile). In summary, the available evidence is currently insufficient to determine the role of this variant in disease. Therefore, it has been classified as a Variant of Uncertain Significance. Algorithms developed to predict the effect of missense changes on protein structure and function (SIFT, PolyPhen-2, Align-GVGD) all suggest that this variant is likely to be tolerated. ClinVar contains an entry for this variant (Variation ID: 534426). This variant has not been reported in the literature in individuals affected with TSC1-related conditions. This variant is not present in population databases (gnomAD no frequency).

NM_000368.5(TSC1):c.2491G>A (p.Val831Ile)

Gene: TSC1 (TSC complex subunit 1; minus strand). Cytogenetic location: 9q34.13.
Variant type: single nucleotide variant.
Coding change: c.2491G>A on transcript NM_000368.5 (MANE Select); coding-DNA position 2491, G replaced by A.
Protein change: p.Val831Ile; replaces valine 831 with isoleucine.
Molecular consequence: missense variant.
Genome position (GRCh38, 1-based): chr9:132,901,600, C>T on the plus strand (G>A on the coding strand, the complement: TSC1 is on the minus strand). VCF-style: chr9-132901600-C-T. GRCh37 (hg19) VCF-style: chr9-135776987-C-T.
Other names: c.2488G>A, p.Val830Ile (NM_001162426.2); c.2338G>A, p.Val780Ile (NM_001162427.2); c.2128G>A, p.Val710Ile (NM_001362177.2); short protein forms V831I, V830I, V710I, V780I.
Identifiers: ClinVar variation 534426 (VCV000534426.11), dbSNP rs773279842, ClinGen allele CA375358263.